The following is an entry in ClinVar:

ClinVar aggregate classification (germline): Pathogenic/Likely pathogenic. Review status: criteria provided, multiple submitters, no conflicts (2 of 4 stars). 3 submissions from 3 submitters: Pathogenic (1); Likely pathogenic (2). Last evaluated 2025-08-02.

Conditions:
Cornelia de Lange syndrome 1 (CDLS1). Also called: NIPBL-Related Cornelia de Lange Syndrome; TYPUS DEGENERATIVUS AMSTELODAMENSIS; Brachmann de Lange syndrome. Identifiers: Orphanet 199, MedGen C4551851, MONDO:0007387, OMIM 122470.

Submissions (3):

3billion
Classification: Likely pathogenic for Cornelia de Lange syndrome 1. Last evaluated: 2025-08-02. Review status: criteria provided, single submitter. Criteria: ACMG Guidelines, 2015. Collection method: clinical testing. Allele origin: germline. Affected: yes.
Comment: The variant is not observed in the gnomAD v4.1.0 dataset. Predicted Consequence/Location: Missense variant In silico tool predictions suggest damaging effect of the variant on gene or gene product [REVEL: 0.93 (>=0.6, sensitivity 0.68 and specificity 0.92); 3Cnet: 0.99 (> 0.75, sensitivity 0.96 and precision 0.92)]. The same nucleotide change resulting in the same amino acid change has been previously reported as pathogenic/likely pathogenic with strong evidence (ClinVar ID: VCV000099938 /PMID: 37377026). Different missense changes at the same codon (p.Arg2298Cys, p.Arg2298His, p.Arg2298Leu, p.Arg2298Pro, p.Arg2298Ser) have been reported as pathogenic/likely pathogenic with strong evidence (ClinVar ID: VCV000159210, VCV000159211 /PMID: 15318302, 16236812, 17661813, 37377026 /3billion dataset). Therefore, this variant is classified as Likely pathogenic according to the recommendation of ACMG/AMP guideline.

GeneDx
Classification: Likely pathogenic. Last evaluated: 2024-02-22. Review status: criteria provided, single submitter. Criteria: GeneDx Variant Classification Process June 2021. Collection method: clinical testing. Allele origin: germline. Affected: yes.
Comment: Not observed at significant frequency in large population cohorts (gnomAD); In silico analysis supports that this missense variant has a deleterious effect on protein structure/function; This variant is associated with the following publications: (PMID: 37377026, 23254390, 17661813)

Genetic Services Laboratory, University of Chicago
Classification: Pathogenic for Cornelia de Lange syndrome 1. Last evaluated: 2013-02-08. Review status: criteria provided, single submitter. Criteria: ACMG Guidelines, 2007. Collection method: clinical testing. Allele origin: germline. Inheritance: Autosomal dominant inheritance. Affected: yes.

Literature cited by the submitters: PubMed 37377026 (cited by 3billion); PubMed 15318302 (cited by 3billion).

NM_133433.4(NIPBL):c.6892C>G (p.Arg2298Gly)

Gene: NIPBL (NIPBL cohesin loading factor; plus strand). Cytogenetic location: 5p13.2.
Variant type: single nucleotide variant.
Coding change: c.6892C>G on transcript NM_133433.4 (MANE Select); coding-DNA position 6892, C replaced by G.
Protein change: p.Arg2298Gly; replaces arginine 2298 with glycine.
Molecular consequence: missense variant.
Genome position (GRCh38, 1-based): chr5:37,049,239, C>G. VCF-style: chr5-37049239-C-G. GRCh37 (hg19) VCF-style: chr5-37049341-C-G.
Other names: c.6892C>G, p.Arg2298Gly (NM_015384.5); short protein forms R2298G.
Identifiers: ClinVar variation 99938 (VCV000099938.8), dbSNP rs80358376, ClinGen allele CA267557.